The following is an entry in ClinVar:

ClinVar aggregate classification (germline): Likely benign (1 of 4 stars; one submission).

Conditions:
Retinitis pigmentosa (RP). Identifiers: Orphanet 791, MedGen C0035334, MeSH D012174, MONDO:0019200, OMIM 268000. Inheritance: Autosomal dominant, autosomal recessive and X linked inheritance.

Allele frequency attached by ClinVar (database versions not stated): gnomAD exomes 0.00004; gnomAD 0.00006 and 0.00011; TOPMed 0.00010; 1000 Genomes Project 30x 0.00094; 1000 Genomes Project 0.00120.

Submission:

Illumina Laboratory Services, Illumina
Classification: Likely benign for Retinitis pigmentosa. Last evaluated: 2018-01-13. Review status: criteria provided, single submitter. Criteria: ICSL Variant Classification Criteria 13 December 2019. Collection method: clinical testing. Allele origin: germline.
Comment: This variant was observed in the ICSL laboratory as part of a predisposition screen in an ostensibly healthy population. It had not been previously curated by ICSL or reported in the Human Gene Mutation Database (HGMD: prior to June 1st, 2018), and was therefore a candidate for classification through an automated scoring system. Utilizing variant allele frequency, disease prevalence and penetrance estimates, and inheritance mode, an automated score was calculated to assess if this variant is too frequent to cause the disease. Based on the score and internal cut-off values, a variant classified as likely benign is not then subjected to further curation. The score for this variant resulted in a classification of likely benign for this disease.

NM_001354768.3(NRL):c.*108C>T

Gene: NRL (neural retina leucine zipper; minus strand). Cytogenetic location: 14q11.2.
Variant type: single nucleotide variant.
Coding change: c.*108C>T on transcript NM_001354768.3 (MANE Select); 108 bases downstream of the stop codon, C replaced by T.
Molecular consequence: 3 prime UTR variant.
Genome position (GRCh38, 1-based): chr14:24,081,128, G>A on the plus strand (C>T on the coding strand, the complement: NRL is on the minus strand). VCF-style: chr14-24081128-G-A. GRCh37 (hg19) VCF-style: chr14-24550337-G-A.
Other names: c.*108C>T (NM_001354769.1, NM_001354770.2, NM_006177.5).
Identifiers: ClinVar variation 312939 (VCV000312939.5), dbSNP rs552709917, ClinGen allele CA10644025.
Genomic context (GRCh38, chr14:24,081,128, plus strand): 5'-TCGGGCATGACTTGAGGACCCAAAAGCTTTGGGGATATTTGCGCGGTCATACAGGGCGTG[G>A]CTAGGACCAGAAGGCGCTCTGGTAACGATGCAGAGAACCGTGCAGCCGCCTCCTGGGCGG-3'